The following is an entry in ClinVar:

ClinVar aggregate classification (germline): Uncertain significance (1 of 4 stars; one submission).

Submission:

Labcorp Genetics (formerly Invitae), Labcorp
Classification: Uncertain significance. Last evaluated: 2023-07-10. Review status: criteria provided, single submitter. Criteria: Invitae Variant Classification Sherloc (09022015). Collection method: clinical testing. Allele origin: germline.
Comment: In summary, the available evidence is currently insufficient to determine the role of this variant in disease. Therefore, it has been classified as a Variant of Uncertain Significance. Algorithms developed to predict the effect of missense changes on protein structure and function output the following: SIFT: "Not Available"; PolyPhen-2: "Benign"; Align-GVGD: "Not Available". The threonine amino acid residue is found in multiple mammalian species, which suggests that this missense change does not adversely affect protein function. ClinVar contains an entry for this variant (Variation ID: 1502908). This variant has not been reported in the literature in individuals affected with C2-related conditions. This variant is not present in population databases (gnomAD no frequency). This sequence change replaces alanine, which is neutral and non-polar, with threonine, which is neutral and polar, at codon 75 of the C2 protein (p.Ala75Thr).

NM_000063.6(C2):c.223G>A (p.Ala75Thr)

Gene: C2 (complement C2; plus strand). Cytogenetic location: 6p21.33.
Variant type: single nucleotide variant.
Coding change: c.223G>A on transcript NM_000063.6 (MANE Select); coding-DNA position 223, G replaced by A.
Protein change: p.Ala75Thr; replaces alanine 75 with threonine.
Molecular consequence: missense variant. On other transcripts: synonymous variant (1), genic upstream transcript variant (2), intron variant (1).
Genome position (GRCh38, 1-based): chr6:31,928,131, G>A. VCF-style: chr6-31928131-G-A. GRCh37 (hg19) VCF-style: chr6-31895908-G-A.
Other names: c.108G>A, p.Glu36= (NM_001282458.2); c.223G>A, p.Ala75Thr (NM_001282459.2); c.-63-5479G>A (NM_001282457.2); c.74-5479G>A (NM_001178063.3); c.46+333G>A (NM_001145903.3); short protein forms A75T.
Identifiers: ClinVar variation 1502908 (VCV001502908.6), dbSNP rs2151740317, ClinGen allele CA363489541.